The following is an entry in ClinVar:

NM_007194.4(CHEK2):c.1A>G (p.Met1Val)

Gene: CHEK2 (checkpoint kinase 2; minus strand). Cytogenetic location: 22q12.1.
Variant type: single nucleotide variant.
Coding change: c.1A>G on transcript NM_007194.4 (MANE Select); coding-DNA position 1, A replaced by G.
Protein change: p.Met1Val; changes the start codon (methionine 1).
Molecular consequence: missense variant, initiator codon variant.
Genome position (GRCh38, 1-based): chr22:28,734,721, T>C on the plus strand (A>G on the coding strand, the complement: CHEK2 is on the minus strand). VCF-style: chr22-28734721-T-C. GRCh37 (hg19) VCF-style: chr22-29130709-T-C.
Other names: c.1A>G, p.Met1Val (NM_001005735.3, NM_001349956.3, NM_145862.3); c.-777A>G (NM_001257387.3); short protein forms M1V.
Identifiers: ClinVar variation 216643 (VCV000216643.18), dbSNP rs863224748, ClinGen allele CA335740.

ClinVar aggregate classification (germline): Conflicting classifications of pathogenicity. Review status: criteria provided, conflicting classifications (1 of 4 stars). 4 submissions from 4 submitters: Likely pathogenic (1); Uncertain significance (3). Last evaluated 2025-05-28.

Conditions:
Hereditary cancer-predisposing syndrome. Also called: Hereditary Cancer Syndrome; Hereditary neoplastic syndrome; Neoplastic Syndromes, Hereditary; Tumor predisposition. Identifiers: Orphanet 140162, MedGen C0027672, MeSH D009386, MONDO:0015356.
Familial cancer of breast. Also called: Hereditary breast cancer; BREAST CANCER, FAMILIAL; hereditary breast carcinoma. Identifiers: Orphanet 227535, MedGen C0346153, MONDO:0016419, OMIM 114480. Disease mechanism: loss of function.

Allele frequency attached by ClinVar (database versions not stated): gnomAD exomes below 0.00001.

Submissions (4):

Color Diagnostics, LLC DBA Color Health
Classification: Uncertain significance for Hereditary cancer-predisposing syndrome. Last evaluated: 2025-05-28. Review status: criteria provided, single submitter. Criteria: ACMG Guidelines, 2015. Collection method: clinical testing. Allele origin: germline.
Comment: This variant results in the loss of the translation initiator methionine at codon 1 of the CHEK2 protein. The next in-frame methionine occurs at codon 46 and may serve as an alternative translation start site. Loss of these 45 N-terminal amino acids may impact the SQ/TQ motif (a.a. 19-69), but the significance of this is not well established. To our knowledge, functional studies have not been reported for this variant. This variant has not been reported in individuals affected with hereditary cancer in the literature. CHEK2 initiation codon variants are classified as uncertain significance in ClinVar (Variation ID: 187757, 216643, 460831, 920652, 947894, 1023013). This variant has not been identified in the general population by the Genome Aggregation Database (gnomAD). The available evidence is insufficient to determine the role of this variant in disease conclusively. Therefore, this variant is classified as a Variant of Uncertain Significance.

Myriad Genetics, Inc.
Classification: Likely pathogenic for Familial cancer of breast. Last evaluated: 2024-10-10. Review status: criteria provided, single submitter. Criteria: Myriad Autosomal Dominant, Autosomal Recessive and X-Linked Classification Criteria (2023). Collection method: clinical testing. Allele origin: unknown.
Comment: This variant is considered likely pathogenic. This variant is located within the gene translation start codon (p.Met1?) and is predicted to result in abnormal protein translation. Although the next in-frame methionine is located at codon 46, if initiation occurred at this position more than half of the SQ/TQ domain would be deleted and the SQ/TQ domain is critical for proper protein function. In addition, this, and other initiation codon variants, have been shown to be associated with more severe personal and family histories of cancer, typical for individuals with pathogenic variants in the CHEK2 gene [PMID: 25085752].

Labcorp Genetics (formerly Invitae), Labcorp
Classification: Uncertain significance for Familial cancer of breast. Last evaluated: 2024-07-16. Review status: criteria provided, single submitter. Criteria: Invitae Variant Classification Sherloc (09022015). Collection method: clinical testing. Allele origin: germline.
Comment: This sequence change affects the initiator methionine of the CHEK2 mRNA. The next in-frame methionine is located at codon 46. This variant is not present in population databases (gnomAD no frequency). This variant has not been reported in the literature in individuals affected with CHEK2-related conditions. ClinVar contains an entry for this variant (Variation ID: 216643). In summary, the available evidence is currently insufficient to determine the role of this variant in disease. Therefore, it has been classified as a Variant of Uncertain Significance.

Ambry Genetics
Classification: Uncertain significance for Hereditary cancer-predisposing syndrome. Last evaluated: 2024-06-20. Review status: criteria provided, single submitter. Criteria: Ambry Variant Classification Scheme 2023. Collection method: clinical testing. Allele origin: germline.
Comment: The p.M1? variant (also known as c.1A>G) is located in coding exon 1 of the CHEK2 gene and results from a A to G substitution at nucleotide position 1. This alters the methionine residue at the initiation codon (ATG). Variations that modify the initiation codon (ATG) are expected to result in either loss of translation initiation, N-terminal truncation, or cause a shift in the mRNA reading frame; however, there is an in-frame methionine 45 amino acids from the initiation site, which may result in N-terminal truncation of unknown functional significance. Based on the available evidence, the clinical significance of this variant remains unclear.

Literature cited by the submitters: PubMed 25085752 (cited by Myriad Genetics, Inc.).